The following is an entry in ClinVar:

NM_015488.5(PNKD):c.841C>A (p.Leu281Ile)

Genes: PNKD (PNKD metallo-beta-lactamase domain containing; plus strand), CATIP-AS2 (CATIP antisense RNA 2; minus strand). Cytogenetic location: 2q35.
Variant type: single nucleotide variant.
Coding change: c.841C>A on transcript NM_015488.5 (MANE Select); coding-DNA position 841, C replaced by A.
Protein change: p.Leu281Ile; replaces leucine 281 with isoleucine.
Molecular consequence: missense variant.
Genome position (GRCh38, 1-based): chr2:218,343,559, C>A. VCF-style: chr2-218343559-C-A. GRCh37 (hg19) VCF-style: chr2-219208282-C-A.
Other names: c.769C>A, p.Leu257Ile (NM_022572.5); short protein forms L281I, L257I.
Identifiers: ClinVar variation 3015021 (VCV003015021.3), dbSNP rs2469471252, ClinGen allele CA350542167.

ClinVar aggregate classification (germline): Uncertain significance (1 of 4 stars; one submission).

Conditions:
Paroxysmal nonkinesigenic dyskinesia. Also called: Paroxysmal non-kinesigenic dyskinesia. Identifiers: Orphanet 98810, MedGen C1869117, MONDO:0700088.

Allele frequency attached by ClinVar (database versions not stated): gnomAD exomes 0.00001.
gnomAD v4.1: 6 of 1,613,464 alleles (0.00037%); highest among the groups gnomAD compares: Non-Finnish European, 0.00051%; no homozygotes.

Submission:

Labcorp Genetics (formerly Invitae), Labcorp
Classification: Uncertain significance for Paroxysmal nonkinesigenic dyskinesia. Last evaluated: 2023-04-10. Review status: criteria provided, single submitter. Criteria: Invitae Variant Classification Sherloc (09022015). Collection method: clinical testing. Allele origin: germline.
Comment: In summary, the available evidence is currently insufficient to determine the role of this variant in disease. Therefore, it has been classified as a Variant of Uncertain Significance. Advanced modeling of protein sequence and biophysical properties (such as structural, functional, and spatial information, amino acid conservation, physicochemical variation, residue mobility, and thermodynamic stability) performed at Invitae indicates that this missense variant is not expected to disrupt PNKD protein function. This variant has not been reported in the literature in individuals affected with PNKD-related conditions. This variant is not present in population databases (gnomAD no frequency). This sequence change replaces leucine, which is neutral and non-polar, with isoleucine, which is neutral and non-polar, at codon 281 of the PNKD protein (p.Leu281Ile).